The following is an entry in ClinVar:

NM_004525.3(LRP2):c.10G>C (p.Gly4Arg)

Gene: LRP2 (LDL receptor related protein 2; minus strand). Cytogenetic location: 2q31.1.
Variant type: single nucleotide variant.
Coding change: c.10G>C on transcript NM_004525.3 (MANE Select); coding-DNA position 10, G replaced by C.
Protein change: p.Gly4Arg; replaces glycine 4 with arginine.
Molecular consequence: missense variant.
Genome position (GRCh38, 1-based): chr2:169,362,390, C>G on the plus strand (G>C on the coding strand, the complement: LRP2 is on the minus strand). VCF-style: chr2-169362390-C-G. GRCh37 (hg19) VCF-style: chr2-170218900-C-G.
Other names: short protein forms G4R.
Identifiers: ClinVar variation 1920279 (VCV001920279.2), dbSNP rs781681275, ClinGen allele CA349256996.
Genomic context (GRCh38, chr2:169,362,390, plus strand): 5'-TGGCCGGCGCTAGGCAGGCGACGAGAGCCAGGAGCAGCGTGCACGCCACTGCTGCCGGCC[C>G]GCGATCCATCTCCGCGACGGTCCCCGGCCTCGCCGTTCCTTCCCCGGGAGGTGGGCGCGC-3'
Protein context (NP_004516.2, residues 1-14): MDR[Gly4Arg]PAAVACTLLL

ClinVar aggregate classification (germline): Uncertain significance (1 of 4 stars; one submission).

gnomAD v4.1: 3 of 1,564,318 alleles (0.00019%); highest among the groups gnomAD compares: Admixed American, 0.0037%; no homozygotes.

Submission:

Labcorp Genetics (formerly Invitae), Labcorp
Classification: Uncertain significance. Last evaluated: 2021-12-29. Review status: criteria provided, single submitter. Criteria: Invitae Variant Classification Sherloc (09022015). Collection method: clinical testing. Allele origin: germline.
Comment: This sequence change replaces glycine, which is neutral and non-polar, with arginine, which is basic and polar, at codon 4 of the LRP2 protein (p.Gly4Arg). This variant is present in population databases (no rsID available, gnomAD 0.004%). This variant has not been reported in the literature in individuals affected with LRP2-related conditions. Advanced modeling of protein sequence and biophysical properties (such as structural, functional, and spatial information, amino acid conservation, physicochemical variation, residue mobility, and thermodynamic stability) performed at Invitae indicates that this missense variant is not expected to disrupt LRP2 protein function. In summary, the available evidence is currently insufficient to determine the role of this variant in disease. Therefore, it has been classified as a Variant of Uncertain Significance.